The following is an entry in ClinVar:

ClinVar aggregate classification (germline): Uncertain significance (1 of 4 stars; one submission).

Conditions:
Charcot-Marie-Tooth disease axonal type 2O. Also called: CHARCOT-MARIE-TOOTH NEUROPATHY, AXONAL, TYPE 2O; CHARCOT-MARIE-TOOTH DISEASE, AXONAL, AUTOSOMAL DOMINANT, TYPE 2O; Charcot-Marie-Tooth Neuropathy Type 2O; Charcot-Marie-Tooth disease, axonal, type 20. Identifiers: Orphanet 284232, MedGen C3280220, MONDO:0013644, OMIM 614228.

Submission:

Labcorp Genetics (formerly Invitae), Labcorp
Classification: Uncertain significance for Charcot-Marie-Tooth disease axonal type 2O. Last evaluated: 2023-05-16. Review status: criteria provided, single submitter. Criteria: Invitae Variant Classification Sherloc (09022015). Collection method: clinical testing. Allele origin: germline.
Comment: This variant has not been reported in the literature in individuals affected with DYNC1H1-related conditions. This variant is not present in population databases (gnomAD no frequency). This sequence change replaces threonine, which is neutral and polar, with isoleucine, which is neutral and non-polar, at codon 4606 of the DYNC1H1 protein (p.Thr4606Ile). Advanced modeling of protein sequence and biophysical properties (such as structural, functional, and spatial information, amino acid conservation, physicochemical variation, residue mobility, and thermodynamic stability) performed at Invitae indicates that this missense variant is not expected to disrupt DYNC1H1 protein function. In summary, the available evidence is currently insufficient to determine the role of this variant in disease. Therefore, it has been classified as a Variant of Uncertain Significance.

NM_001376.5(DYNC1H1):c.13817C>T (p.Thr4606Ile)

Gene: DYNC1H1 (dynein cytoplasmic 1 heavy chain 1; plus strand). Cytogenetic location: 14q32.31.
Variant type: single nucleotide variant.
Coding change: c.13817C>T on transcript NM_001376.5 (MANE Select); coding-DNA position 13817, C replaced by T.
Protein change: p.Thr4606Ile; replaces threonine 4606 with isoleucine.
Molecular consequence: missense variant.
Genome position (GRCh38, 1-based): chr14:102,050,439, C>T. VCF-style: chr14-102050439-C-T. GRCh37 (hg19) VCF-style: chr14-102516776-C-T.
Other names: short protein forms T4606I.
Identifiers: ClinVar variation 2826141 (VCV002826141.3), dbSNP rs2503893320, ClinGen allele CA391052274.